The following is an entry in ClinVar:

NM_025137.4(SPG11):c.3017A>G (p.Tyr1006Cys)

Gene: SPG11 (SPG11 vesicle trafficking associated, spatacsin; minus strand). Cytogenetic location: 15q21.1.
Variant type: single nucleotide variant.
Coding change: c.3017A>G on transcript NM_025137.4 (MANE Select); coding-DNA position 3017, A replaced by G.
Protein change: p.Tyr1006Cys; replaces tyrosine 1006 with cysteine.
Molecular consequence: missense variant.
Genome position (GRCh38, 1-based): chr15:44,615,384, T>C on the plus strand (A>G on the coding strand, the complement: SPG11 is on the minus strand). VCF-style: chr15-44615384-T-C. GRCh37 (hg19) VCF-style: chr15-44907582-T-C.
Other names: c.3017A>G, p.Tyr1006Cys (NM_001160227.2); short protein forms Y1006C.
Identifiers: ClinVar variation 1383871 (VCV001383871.5), dbSNP rs1374505304, ClinGen allele CA392229100.

ClinVar aggregate classification (germline): Uncertain significance (1 of 4 stars; one submission).

Conditions:
Hereditary spastic paraplegia 11. Also called: Spastic paraplegia, mental retardation and thin corpus callosum; SPASTIC PARAPLEGIA, AUTOSOMAL RECESSIVE, COMPLICATED, WITH THIN CORPUS CALLOSUM; SPASTIC PARAPLEGIA, AUTOSOMAL RECESSIVE, WITH MENTAL IMPAIRMENT AND THIN CORPUS CALLOSUM; Nakamura Osame syndrome; Autosomal recessive hereditary spastic paraplegia, mental impairment, and thin corpus callosum; Spastic Paraplegia 11. Identifiers: Orphanet 2822, MedGen C1858479, MONDO:0011445, OMIM 604360.

Allele frequency attached by ClinVar (database versions not stated): gnomAD exomes below 0.00001.
gnomAD v4.1: 2 of 1,613,868 alleles (0.00012%); highest among the groups gnomAD compares: Non-Finnish European, 0.00017%; no homozygotes.

Submission:

Labcorp Genetics (formerly Invitae), Labcorp
Classification: Uncertain significance for Hereditary spastic paraplegia 11. Last evaluated: 2021-09-24. Review status: criteria provided, single submitter. Criteria: Invitae Variant Classification Sherloc (09022015). Collection method: clinical testing. Allele origin: germline.
Comment: This sequence change replaces tyrosine with cysteine at codon 1006 of the SPG11 protein (p.Tyr1006Cys). The tyrosine residue is highly conserved and there is a large physicochemical difference between tyrosine and cysteine. This variant is not present in population databases (ExAC no frequency). This variant has not been reported in the literature in individuals with SPG11-related conditions. Algorithms developed to predict the effect of missense changes on protein structure and function are either unavailable or do not agree on the potential impact of this missense change (SIFT: "Deleterious"; PolyPhen-2: "Benign"; Align-GVGD: "Class C0"). In summary, the available evidence is currently insufficient to determine the role of this variant in disease. Therefore, it has been classified as a Variant of Uncertain Significance.